The following is an entry in ClinVar:

NC_012920.1(MT-CO3):m.9843A>G

Gene: MT-CO3 (mitochondrially encoded cytochrome c oxidase III; plus strand).
Variant type: single nucleotide variant.
Genome position: chrM-9843-A-G.
Identifiers: ClinVar variation 693238 (VCV000693238.1), dbSNP rs1603222537, ClinGen allele CA414803832.
Genomic context (GRCh38, chrMT:9,843, plus strand): 5'-TACGGCTCAACATTTTTTGTAGCCACAGGCTTCCACGGACTTCACGTCATTATTGGCTCA[A>G]CTTTCCTCACTATCTGCTTCATCCGCCAACTAATATTTCACTTTACATCCAAACATCACT-3'

ClinVar aggregate classification (germline): Likely benign (1 of 4 stars; one submission).

Conditions:
Leigh syndrome (NULS). Also called: Leigh's necrotizing encephalopathy; Leigh's disease; Leigh Syndrome (mtDNA deletion); Leigh Disease; Subacute necrotizing encephalopathy; Necrotizing encephalopathy infantile subacute of Leigh. Identifiers: Orphanet 506, MedGen C2931891, MONDO:0009723, OMIM 256000.

Submission:

Wong Mito Lab, Molecular and Human Genetics, Baylor College of Medicine
Classification: Likely benign for Leigh syndrome. Last evaluated: 2019-10-17. Review status: criteria provided, single submitter. Criteria: Modified ACMG Guidelines (Unpublished). Collection method: clinical testing. Allele origin: germline.
Comment: The NC_012920.1:m.9843A>G (YP_003024032.1:p.Thr213Ala) variant in MTCO3 gene is interpretated to be a Likely Benign variant based on the modified ACMG guidelines (unpublished). This variant meets the following evidence codes: BS1, BP4